The following is an entry in ClinVar:

ClinVar aggregate classification (germline): Likely pathogenic (1 of 4 stars; one submission).

Conditions:
Gaze palsy, familial horizontal, with progressive scoliosis 1 (HGPPS1). Identifiers: Orphanet 2744, MedGen C4551964, MONDO:0020790, OMIM 607313.

Allele frequency attached by ClinVar (database versions not stated): gnomAD exomes below 0.00001.
gnomAD v4.1: 1 of 1,603,624 alleles (0.000062%); highest among the groups gnomAD compares: Non-Finnish European, 0.000085%; no homozygotes.

Submission:

Institute of Human Genetics, University of Leipzig Medical Center
Classification: Likely pathogenic for Gaze palsy, familial horizontal, with progressive scoliosis 1. Last evaluated: 2021-01-09. Review status: criteria provided, single submitter. Criteria: ACMG Guidelines, 2015. Collection method: curation. Allele origin: germline. Inheritance: Autosomal recessive inheritance. Affected: yes.
Comment: This ROBO3 variant was reported as Pathogenicâ€‹ in PMID: 28024310 with original nomenclature reported as c.416Gâ€‰>â€‰T (p.Gly139Val). Variant was re-classified as Likely Pathogenic based on the criteria PM1_Moderate, PM2_Supporting, PM3_Strong, PP3_Supporting, PP4_Supporting.

Literature cited by the submitters: PubMed 28024310.

NM_022370.4(ROBO3):c.416G>T (p.Gly139Val)

Gene: ROBO3 (roundabout guidance receptor 3; plus strand). Cytogenetic location: 11q24.2.
Variant type: single nucleotide variant.
Coding change: c.416G>T on transcript NM_022370.4 (MANE Select); coding-DNA position 416, G replaced by T.
Protein change: p.Gly139Val; replaces glycine 139 with valine.
Molecular consequence: missense variant.
Genome position (GRCh38, 1-based): chr11:124,869,057, G>T. VCF-style: chr11-124869057-G-T. GRCh37 (hg19) VCF-style: chr11-124738953-G-T.
Other names: short protein forms G139V.
Identifiers: ClinVar variation 996112 (VCV000996112.1), dbSNP rs1946243211, ClinGen allele CA383135228.